The following is an entry in ClinVar:

ClinVar aggregate classification (germline): Pathogenic/Likely pathogenic. Review status: criteria provided, multiple submitters, no conflicts (2 of 4 stars). 3 submissions from 3 submitters: Pathogenic (1); Likely pathogenic (2). Last evaluated 2023-09-30.

Conditions:
Neurodevelopmental delay. Identifiers: MedGen C4022738, HP:0012758.
Intellectual developmental disorder with seizures and language delay (IDDSELD). Identifiers: MedGen C5436574, MONDO:0033559, OMIM 619000.

Submissions (3):

GeneDx
Classification: Pathogenic. Last evaluated: 2023-09-30. Review status: criteria provided, single submitter. Criteria: GeneDx Variant Classification Process June 2021. Collection method: clinical testing. Allele origin: germline. Affected: yes.
Comment: Not observed at significant frequency in large population cohorts (gnomAD); In silico analysis supports that this missense variant has a deleterious effect on protein structure/function; In silico analysis supports that this missense variant has a deleterious effect on splicing; A different missense change at this residue (p.R1792W) has been reported in the published literature in association with a SETD1B-related phenotype (Weerts et al., 2021); Has not been previously published as pathogenic or benign to our knowledge

Laboratoire de Génétique Moléculaire, CHU Bordeaux
Classification: Likely pathogenic for Intellectual developmental disorder with seizures and language delay. Last evaluated: 2020-11-13. Review status: criteria provided, single submitter. Criteria: ACMG Guidelines, 2015. Collection method: clinical testing. Allele origin: germline. Affected: yes.

Centre de Biologie Pathologie Génétique, Centre Hospitalier Universitaire de Lille
Classification: Likely pathogenic for Neurodevelopmental delay. Review status: criteria provided, single submitter. Criteria: ACMG Guidelines, 2015. Collection method: clinical testing. Allele origin: de novo. Affected: yes.

NM_001353345.2(SETD1B):c.5375G>A (p.Arg1792Gln)

Gene: SETD1B (SET domain containing 1B, histone lysine methyltransferase; plus strand). Cytogenetic location: 12q24.31.
Variant type: single nucleotide variant.
Coding change: c.5375G>A on transcript NM_001353345.2 (MANE Select); coding-DNA position 5375, G replaced by A.
Protein change: p.Arg1792Gln; replaces arginine 1792 with glutamine.
Molecular consequence: missense variant.
Genome position (GRCh38, 1-based): chr12:121,827,556, G>A. VCF-style: chr12-121827556-G-A. GRCh37 (hg19) VCF-style: chr12-122265462-G-A.
Other names: c.5375G>A (NM_001353345.1); short protein forms R1792Q.
Identifiers: ClinVar variation 1700121 (VCV001700121.3), dbSNP rs2137588997, ClinGen allele CA387003226.